The following is an entry in ClinVar:

ClinVar aggregate classification (germline): Uncertain significance (1 of 4 stars; one submission).

Submission:

Labcorp Genetics (formerly Invitae), Labcorp
Classification: Uncertain significance. Last evaluated: 2022-06-29. Review status: criteria provided, single submitter. Criteria: Invitae Variant Classification Sherloc (09022015). Collection method: clinical testing. Allele origin: germline.
Comment: This sequence change replaces histidine, which is basic and polar, with proline, which is neutral and non-polar, at codon 665 of the NEXMIF protein (p.His665Pro). This variant is not present in population databases (gnomAD no frequency). This variant has not been reported in the literature in individuals affected with NEXMIF-related conditions. ClinVar contains an entry for this variant (Variation ID: 847593). Algorithms developed to predict the effect of missense changes on protein structure and function (SIFT, PolyPhen-2, Align-GVGD) all suggest that this variant is likely to be tolerated. In summary, the available evidence is currently insufficient to determine the role of this variant in disease. Therefore, it has been classified as a Variant of Uncertain Significance.

NM_001008537.3(NEXMIF):c.1994A>C (p.His665Pro)

Gene: NEXMIF (neurite extension and migration factor; minus strand). Cytogenetic location: Xq13.3.
Variant type: single nucleotide variant.
Coding change: c.1994A>C on transcript NM_001008537.3 (MANE Select); coding-DNA position 1994, A replaced by C.
Protein change: p.His665Pro; replaces histidine 665 with proline.
Molecular consequence: missense variant.
Genome position (GRCh38, 1-based): chrX:74,742,563, T>G on the plus strand (A>C on the coding strand, the complement: NEXMIF is on the minus strand). VCF-style: chrX-74742563-T-G. GRCh37 (hg19) VCF-style: chrX-73962398-T-G.
Other names: short protein forms H665P.
Identifiers: ClinVar variation 847593 (VCV000847593.9), dbSNP rs2080110064, ClinGen allele CA413669220.
Genomic context (GRCh38, chrX:74,742,563, plus strand): 5'-CAGCTAGGAGCACCCAGAGGTGCTGACTTCAGTGTACCTTTTAGGCCTCCATCTTCTTTA[T>G]GATTACTAGCGTGCCTCTGATCATTACATAATGAAATCTGTTTACTACTTGCTGAAATTT-3'
Protein context (NP_001008537.1, residues 655-675): LCNDQRHASN[His665Pro]KEDGGLKGTL